The following is an entry in ClinVar:

ClinVar aggregate classification (germline): Likely benign (1 of 4 stars; one submission).

Submission:

CeGaT Center for Human Genetics Tuebingen
Classification: Likely benign. Last evaluated: 2024-07-01. Review status: criteria provided, single submitter. Criteria: CeGaT Center For Human Genetics Tuebingen Variant Classification Criteria Version 2. Collection method: clinical testing. Allele origin: germline. Affected: yes. Observed: 1 variant allele.
Comment: FAM230A: BS2

NC_000022.11:g.20354996G>A

Variant type: single nucleotide variant.
Genome position: GRCh38 VCF-style: chr22-20354996-G-A. GRCh37 (hg19) VCF-style: chr22-20709286-G-A.
Identifiers: ClinVar variation 3257579 (VCV003257579.17).